The following is an entry in ClinVar:

ClinVar aggregate classification (germline): Uncertain significance. Review status: criteria provided, multiple submitters, no conflicts (2 of 4 stars). 2 submissions from 2 submitters: Uncertain significance (2). Last evaluated 2025-11-26.

Conditions:
Epidermolysis bullosa simplex 5B, with muscular dystrophy (EBS5B). Also called: Epidermolysis bullosa simplex with muscular dystrophy; EPIDERMOLYSIS BULLOSA SIMPLEX AND LIMB-GIRDLE MUSCULAR DYSTROPHY. Identifiers: Orphanet 257, MedGen C2931072, MONDO:0009181, OMIM 226670.
Autosomal recessive limb-girdle muscular dystrophy type 2Q (LGMDR17). Also called: MUSCULAR DYSTROPHY, LIMB-GIRDLE, AUTOSOMAL RECESSIVE 17. Identifiers: Orphanet 254361, MedGen C3150989, MONDO:0013390, OMIM 613723.
Epidermolysis bullosa simplex with nail dystrophy (EBS5D). Identifiers: MedGen C4225309, MONDO:0014661, OMIM 616487.
Epidermolysis bullosa simplex 5C, with pyloric atresia (EBS5C). Also called: Epidermolysis bullosa simplex with pyloric atresia; PLEC-Related Epidermolysis Bullosa with Pyloric Atresia; PLEC1-Related Epidermolysis Bullosa with Pyloric Atresia. Identifiers: Orphanet 158684, MedGen C2677349, MONDO:0012807, OMIM 612138.
Epidermolysis bullosa simplex, Ogna type (EBS5A). Also called: EPIDERMOLYSIS BULLOSA SIMPLEX 5A, OGNA TYPE; Pidermolysis bullosa simplex 5A, Ogna type. Identifiers: Orphanet 79401, MedGen C0432317, MONDO:0007555, OMIM 131950.
Inborn genetic diseases. Identifiers: MedGen C0950123, MeSH D030342.

Allele frequency attached by ClinVar (database versions not stated): gnomAD exomes 0.00001; TOPMed 0.00003; gnomAD 0.00004.
gnomAD v4.1: 24 of 1,581,680 alleles (0.0015%); highest among the groups gnomAD compares: Admixed American, 0.0036%; no homozygotes.

Submissions (2):

Ambry Genetics
Classification: Uncertain significance for Inborn genetic diseases. Last evaluated: 2025-11-26. Review status: criteria provided, single submitter. Criteria: Ambry Variant Classification Scheme 2023. Collection method: clinical testing. Allele origin: germline.

Labcorp Genetics (formerly Invitae), Labcorp
Classification: Uncertain significance for Autosomal recessive limb-girdle muscular dystrophy type 2Q; Epidermolysis bullosa simplex, Ogna type; Epidermolysis bullosa simplex with nail dystrophy; Epidermolysis bullosa simplex 5C, with pyloric atresia; Epidermolysis bullosa simplex 5B, with muscular dystrophy. Last evaluated: 2022-07-15. Review status: criteria provided, single submitter. Criteria: Invitae Variant Classification Sherloc (09022015). Collection method: clinical testing. Allele origin: germline.
Comment: ClinVar contains an entry for this variant (Variation ID: 1504043). In summary, the available evidence is currently insufficient to determine the role of this variant in disease. Therefore, it has been classified as a Variant of Uncertain Significance. Algorithms developed to predict the effect of missense changes on protein structure and function are either unavailable or do not agree on the potential impact of this missense change (SIFT: "Deleterious"; PolyPhen-2: "Not Available"; Align-GVGD: "Class C55"). This variant has not been reported in the literature in individuals affected with PLEC-related conditions. This variant is present in population databases (rs782370917, gnomAD 0.001%). This sequence change replaces alanine, which is neutral and non-polar, with threonine, which is neutral and polar, at codon 4535 of the PLEC protein (p.Ala4535Thr).

NM_201384.3(PLEC):c.13522G>A (p.Ala4508Thr)

Gene: PLEC (plectin; minus strand). Cytogenetic location: 8q24.3.
Variant type: single nucleotide variant.
Coding change: c.13522G>A on transcript NM_201384.3 (MANE Select); coding-DNA position 13522, G replaced by A.
Protein change: p.Ala4508Thr; replaces alanine 4508 with threonine.
Molecular consequence: missense variant.
Genome position (GRCh38, 1-based): chr8:143,916,299, C>T on the plus strand (G>A on the coding strand, the complement: PLEC is on the minus strand). VCF-style: chr8-143916299-C-T. GRCh37 (hg19) VCF-style: chr8-144990467-C-T.
Other names: c.13603G>A, p.Ala4535Thr (NM_000445.5); c.13480G>A, p.Ala4494Thr (NM_201378.4); c.13456G>A, p.Ala4486Thr (NM_201379.3); c.13933G>A, p.Ala4645Thr (NM_201380.4); c.13426G>A, p.Ala4476Thr (NM_201381.3); c.13522G>A, p.Ala4508Thr (NM_201382.4); c.13534G>A, p.Ala4512Thr (NM_201383.3); c.13603G>A (NM_000445.3); short protein forms A4512T, A4535T, A4476T, A4508T, A4645T, A4486T, A4494T.
Identifiers: ClinVar variation 1504043 (VCV001504043.12), dbSNP rs782370917, ClinGen allele CA4923768.
Genomic context (GRCh38, chr8:143,916,299, plus strand): 5'-CGTAGCCCGAGGAGGAGTAGGAGGATGAAGAGAAGGTCATGGAGAAGCCGGAGCCGGTGG[C>T]GTCAAAGCTGCCGCGGCGGGAGCCGGCCCGGGAGCCGGTGCGCGAGCCGGTGCGGGAGCC-3'
Protein context (NP_958786.1, residues 4498-4518): RAGSRRGSFD[Ala4508Thr]TGSGFSMTFS